The following is an entry in ClinVar:

ClinVar aggregate classification (germline): Uncertain significance (1 of 4 stars; one submission).

Conditions:
Neuropathy, hereditary sensory, type 1F. Also called: HSN IF; Hereditary sensory neuropathy type IF. Identifiers: Orphanet 36386, MedGen C3810194, MONDO:0014286, OMIM 615632.

Allele frequency attached by ClinVar (database versions not stated): 1000 Genomes Project 30x 0.00016; 1000 Genomes Project 0.00020; gnomAD 0.00001; gnomAD exomes 0.00001; ExAC 0.00002; TOPMed 0.00002.
gnomAD v4.1: 23 of 1,614,194 alleles (0.0014%); highest among the groups gnomAD compares: Admixed American, 0.0033%; no homozygotes.

Submission:

Labcorp Genetics (formerly Invitae), Labcorp
Classification: Uncertain significance for Neuropathy, hereditary sensory, type 1F. Last evaluated: 2024-08-12. Review status: criteria provided, single submitter. Criteria: Invitae Variant Classification Sherloc (09022015). Collection method: clinical testing. Allele origin: germline.
Comment: This sequence change replaces arginine, which is basic and polar, with histidine, which is basic and polar, at codon 412 of the ATL3 protein (p.Arg412His). This variant is present in population databases (rs181563114, gnomAD 0.01%). This variant has not been reported in the literature in individuals affected with ATL3-related conditions. Advanced modeling of protein sequence and biophysical properties (such as structural, functional, and spatial information, amino acid conservation, physicochemical variation, residue mobility, and thermodynamic stability) performed at Invitae indicates that this missense variant is not expected to disrupt ATL3 protein function with a negative predictive value of 80%. In summary, the available evidence is currently insufficient to determine the role of this variant in disease. Therefore, it has been classified as a Variant of Uncertain Significance.

NM_015459.5(ATL3):c.1235G>A (p.Arg412His)

Genes: ATL3 (atlastin GTPase 3; minus strand), LNCROPM (lncRNA regulator of PLAAT3 mediated phospholipid metabolism; plus strand), LOC126861231 (CDK7 strongly-dependent group 2 enhancer GRCh37_chr11:63398741-63399940; plus strand). Cytogenetic location: 11q13.1.
Variant type: single nucleotide variant.
Coding change: c.1235G>A on transcript NM_015459.5 (MANE Select); coding-DNA position 1235, G replaced by A.
Protein change: p.Arg412His; replaces arginine 412 with histidine.
Molecular consequence: missense variant.
Genome position (GRCh38, 1-based): chr11:63,631,344, C>T on the plus strand (G>A on the coding strand, the complement: ATL3 is on the minus strand). VCF-style: chr11-63631344-C-T. GRCh37 (hg19) VCF-style: chr11-63398816-C-T.
Other names: c.1181G>A, p.Arg394His (NM_001290048.2); short protein forms R394H, R412H.
Identifiers: ClinVar variation 2965614 (VCV002965614.3), dbSNP rs181563114, ClinGen allele CA6063555.
Genomic context (GRCh38, chr11:63,631,344, plus strand): 5'-TTGTGCTTGCAGAAGTTCTCATATAATTCCTTGATTTCCTCCTCCAGCTCCTGCTGGTAA[C>T]GAAAGCTGAAATCCTTCCCACCCATCTTCTTGGTCTTCTTAAAATGGTCCAGAGCAAGTT-3'
Protein context (NP_056274.3, residues 402-422): KKMGGKDFSF[Arg412His]YQQELEEEIK